The following is an entry in ClinVar:

ClinVar aggregate classification (germline): Uncertain significance. Review status: criteria provided, multiple submitters, no conflicts (2 of 4 stars). 2 submissions from 2 submitters: Uncertain significance (2). Last evaluated 2024-04-14.

Conditions:
Neuronopathy, distal hereditary motor, autosomal recessive 10 (HMNR10). Also called: NEUROPATHY, DISTAL HEREDITARY MOTOR, AUTOSOMAL RECESSIVE 10; VRK1-RELATED MOTOR NEURON DISEASE. Identifiers: MedGen C5882703, MONDO:0957876, OMIM 620542.
Pontocerebellar hypoplasia type 1A (PCH1A). Also called: PONTOCEREBELLAR HYPOPLASIA WITH ANTERIOR HORN CELL DISEASE; PONTOCEREBELLAR HYPOPLASIA WITH INFANTILE SPINAL MUSCULAR ATROPHY. Identifiers: Orphanet 2254, Orphanet 88616, MedGen C1843504, MONDO:0011866, OMIM 607596.

gnomAD v4.1: 1 of 1,613,888 alleles (0.000062%); highest among the groups gnomAD compares: Non-Finnish European, 0.000085%; no homozygotes.

Submissions (2):

Kariminejad - Najmabadi Pathology & Genetics Center
Classification: Uncertain significance for Neuronopathy, distal hereditary motor, autosomal recessive 10. Last evaluated: 2024-04-14. Review status: criteria provided, single submitter. Criteria: ACMG Guidelines, 2015. Collection method: clinical testing. Allele origin: germline. Inheritance: Autosomal recessive inheritance. Affected: yes.
Comment: PM2,PP2

Labcorp Genetics (formerly Invitae), Labcorp
Classification: Uncertain significance for Pontocerebellar hypoplasia type 1A. Last evaluated: 2022-03-12. Review status: criteria provided, single submitter. Criteria: Invitae Variant Classification Sherloc (09022015). Collection method: clinical testing. Allele origin: germline.
Comment: This variant has not been reported in the literature in individuals affected with VRK1-related conditions. This variant is not present in population databases (gnomAD no frequency). This sequence change replaces histidine, which is basic and polar, with arginine, which is basic and polar, at codon 171 of the VRK1 protein (p.His171Arg). Algorithms developed to predict the effect of missense changes on protein structure and function (SIFT, PolyPhen-2, Align-GVGD) all suggest that this variant is likely to be tolerated. In summary, the available evidence is currently insufficient to determine the role of this variant in disease. Therefore, it has been classified as a Variant of Uncertain Significance. Algorithms developed to predict the effect of sequence changes on RNA splicing suggest that this variant may create or strengthen a splice site.

NM_003384.3(VRK1):c.512A>G (p.His171Arg)

Gene: VRK1 (VRK serine/threonine kinase 1; plus strand). Cytogenetic location: 14q32.2.
Variant type: single nucleotide variant.
Coding change: c.512A>G on transcript NM_003384.3 (MANE Select); coding-DNA position 512, A replaced by G.
Protein change: p.His171Arg; replaces histidine 171 with arginine.
Molecular consequence: missense variant.
Genome position (GRCh38, 1-based): chr14:96,853,102, A>G. VCF-style: chr14-96853102-A-G. GRCh37 (hg19) VCF-style: chr14-97319439-A-G.
Other names: c.512A>G, p.His171Arg (NM_001411051.1, NM_001411053.1); short protein forms H171R.
Identifiers: ClinVar variation 1977286 (VCV001977286.6), dbSNP rs780930484, ClinGen allele CA390930529.
Genomic context (GRCh38, chr14:96,853,102, plus strand): 5'-GCATTAACTTATTCTGTATGATACTTTCATAGCTGGATATTCTGGAATATATTCACGAGC[A>G]TGAGTATGTGCATGGAGATATCAAGGCCTCAAATCTTCTTCTGAACTACAAGAATCCTGA-3'
Protein context (NP_003375.1, residues 161-181): ILDILEYIHE[His171Arg]EYVHGDIKAS